The following is an entry in ClinVar:

ClinVar aggregate classification (germline): Uncertain significance (1 of 4 stars; one submission).

Conditions:
Neuromuscular disease caused by qualitative or quantitative defects of dysferlin. Also called: Qualitative or quantitative defects of dysferlin; Dysferlinopathy. Identifiers: Orphanet 207073, MedGen C2931687, MONDO:0016145.

Submission:

Labcorp Genetics (formerly Invitae), Labcorp
Classification: Uncertain significance for Neuromuscular disease caused by qualitative or quantitative defects of dysferlin. Last evaluated: 2020-09-07. Review status: criteria provided, single submitter. Criteria: Invitae Variant Classification Sherloc (09022015). Collection method: clinical testing. Allele origin: germline.
Comment: This sequence change replaces asparagine with aspartic acid at codon 269 of the DYSF protein (p.Asn269Asp). The asparagine residue is moderately conserved and there is a small physicochemical difference between asparagine and aspartic acid. This variant is not present in population databases (ExAC no frequency). This variant has not been reported in the literature in individuals with DYSF-related conditions. Advanced modeling of protein sequence and biophysical properties (such as structural, functional, and spatial information, amino acid conservation, physicochemical variation, residue mobility, and thermodynamic stability) performed at Invitae indicates that this missense variant is not expected to disrupt DYSF protein function. In summary, the available evidence is currently insufficient to determine the role of this variant in disease. Therefore, it has been classified as a Variant of Uncertain Significance.

NM_001130987.2(DYSF):c.901A>G (p.Asn301Asp)

Gene: DYSF (dysferlin; plus strand). Cytogenetic location: 2p13.2.
Variant type: single nucleotide variant.
Coding change: c.901A>G on transcript NM_001130987.2 (MANE Select); coding-DNA position 901, A replaced by G.
Protein change: p.Asn301Asp; replaces asparagine 301 with aspartic acid.
Molecular consequence: missense variant.
Genome position (GRCh38, 1-based): chr2:71,516,192, A>G. VCF-style: chr2-71516192-A-G. GRCh37 (hg19) VCF-style: chr2-71743322-A-G.
Other names: c.808A>G, p.Asn270Asp (NM_001130455.2, NM_001130983.2, NM_001130984.2 and 1 more transcripts); c.805A>G, p.Asn269Asp (NM_001130976.2, NM_001130977.2, NM_001130978.2 and 1 more transcripts); c.898A>G, p.Asn300Asp (NM_001130979.2, NM_001130980.2, NM_001130981.2); c.901A>G, p.Asn301Asp (NM_001130982.2, NM_001130985.2); short protein forms N269D, N300D, N301D, N270D.
Identifiers: ClinVar variation 1990593 (VCV001990593.1), dbSNP rs1347210597, ClinGen allele CA347209339.
Genomic context (GRCh38, chr2:71,516,192, plus strand): 5'-GAGGGATCAGCAGGCACTGATATGTCTCTCTTTGCTCTGAACCAACAGACTCTTTTCTTC[A>G]ACTTGTTTGACTCTCCTGGGGAGCTGTTTGATGAGCCCATCTTTATCACGGTATGTCTCA-3'
Protein context (NP_001124459.1, residues 291-311): SPLFNETLFF[Asn301Asp]LFDSPGELFD